The following is an entry in ClinVar:

NM_000138.5(FBN1):c.3143T>C (p.Ile1048Thr)

Gene: FBN1 (fibrillin 1; minus strand). Cytogenetic location: 15q21.1.
Variant type: single nucleotide variant.
Coding change: c.3143T>C on transcript NM_000138.5 (MANE Select); coding-DNA position 3143, T replaced by C.
Protein change: p.Ile1048Thr; replaces isoleucine 1048 with threonine.
Molecular consequence: missense variant.
Genome position (GRCh38, 1-based): chr15:48,488,433, A>G on the plus strand (T>C on the coding strand, the complement: FBN1 is on the minus strand). VCF-style: chr15-48488433-A-G. GRCh37 (hg19) VCF-style: chr15-48780630-A-G.
Other names: short protein forms I1048T.
Identifiers: ClinVar variation 549131 (VCV000549131.39), dbSNP rs1555398673, ClinGen allele CA392328109.

ClinVar aggregate classification (germline): Pathogenic/Likely pathogenic. Review status: criteria provided, multiple submitters, no conflicts (2 of 4 stars). 7 submissions from 7 submitters: Pathogenic (5); Likely pathogenic (1). 1 of the submissions does not count toward it. Last evaluated 2026-04-01.

Conditions:
Familial thoracic aortic aneurysm and aortic dissection (TAAD). Also called: Thoracic aortic aneurysms and dissections. Identifiers: Orphanet 91387, MedGen C4707243, MONDO:0019625.
Marfan syndrome (MFS). Also called: MARFAN SYNDROME, TYPE I; Marfan syndrome type 1; Marfan's syndrome; Marfan syndrome, classic; FBN1-Related Marfan Syndrome. Identifiers: Orphanet 284963, Orphanet 558, MedGen C0024796, MONDO:0007947, OMIM 154700.

Submissions (7):

CeGaT Center for Human Genetics Tuebingen
Classification: Pathogenic. Last evaluated: 2026-04-01. Review status: criteria provided, single submitter. Criteria: CeGaT Center For Human Genetics Tuebingen Variant Classification Criteria Version 2. Collection method: clinical testing. Allele origin: germline. Affected: yes. Observed: 1 variant allele.
Comment: FBN1: PS4, PM2, PM5, PP3, PS3:Supporting

Labcorp Genetics (formerly Invitae), Labcorp
Classification: Pathogenic for Marfan syndrome; Familial thoracic aortic aneurysm and aortic dissection. Last evaluated: 2025-08-26. Review status: criteria provided, single submitter. Criteria: Invitae Variant Classification Sherloc (09022015). Collection method: clinical testing. Allele origin: germline.
Comment: This sequence change replaces isoleucine, which is neutral and non-polar, with threonine, which is neutral and polar, at codon 1048 of the FBN1 protein (p.Ile1048Thr). This variant is not present in population databases (gnomAD no frequency). This missense change has been observed in individual(s) with Marfan syndrome (PMID: 8884270, 21135753, 27625872). In at least one individual the variant was observed to be de novo. This variant is also known as T3276C. ClinVar contains an entry for this variant (Variation ID: 549131). Invitae Evidence Modeling of protein sequence and biophysical properties (such as structural, functional, and spatial information, amino acid conservation, physicochemical variation, residue mobility, and thermodynamic stability) indicates that this missense variant is expected to disrupt FBN1 protein function with a positive predictive value of 95%. Experimental studies have shown that this missense change affects FBN1 function (PMID: 8884270, 21784848). For these reasons, this variant has been classified as Pathogenic.

Illumina Laboratory Services, Illumina
Classification: Pathogenic for Marfan syndrome. Last evaluated: 2021-11-17. Review status: criteria provided, single submitter. Criteria: ICSLVariantClassificationCriteria RUGD 01 April 2020. Collection method: clinical testing. Allele origin: unknown.
Comment: The FBN1 c.3143T>C (p.Ile1048Thr) variant is a missense variant that has been reported in at least three studies, in which it was found in a heterozygous state in at least nine individuals with neonatal Marfan syndrome (Sureka et al. 2014; Carande et al. 2017; Tognato et al. 2019). When parental samples were available, the variant was identified to be de novo. The p.Ile1048Thr variant is absent from the Genome Aggregation Database (versions 2.1.1. and 3.1.2) in a region of good sequencing coverage, so the variant is presumed to be rare. This variant is located in exon 26, within the region of the gene in which most variants associated with neonatal Marfan syndrome are located (Tognato et al. 2019). Kirschner et al. (2011) showed that the p.Ile1048Thr variant did not affect overall structure of the protein; however, it resulted in increased fragmentation of the protein in the presence of certain proteases, higher susceptibility for degradation by matrix metalloproteases, and impaired heparin binding. Based on the collective evidence, the p.Ile1048Thr variant is classified as pathogenic for Marfan syndrome.

Centre of Medical Genetics, University of Antwerp
Classification: Likely pathogenic for Marfan syndrome. Last evaluated: 2021-03-01. Review status: criteria provided, single submitter. Criteria: Submitter's publication. Collection method: research. Allele origin: unknown. Affected: yes. Observed: 2 variant alleles.
Comment: PM2, PS1, PP4

Mayo Clinic Laboratories, Mayo Clinic
Classification: Pathogenic. Last evaluated: 2019-08-11. Review status: criteria provided, single submitter. Criteria: ACMG Guidelines, 2015. Collection method: clinical testing. Allele origin: germline. Observed: 1 variant allele.
Comment: PS4, PS3, PM2, PP2, PP4

Petrovsky National Research Centre of Surgery, The Federal Agency for Scientific Organizations
Classification: Pathogenic for Marfan syndrome. Last evaluated: 2019-08-01. Review status: criteria provided, single submitter. Criteria: ACMG Guidelines, 2015. Collection method: clinical testing. Allele origin: de novo. Inheritance: Autosomal dominant inheritance. Affected: yes. Observed: 1 heterozygote.
Comment: The p.I1048T variant is a known neonatal mutation of MFS (PMID: 19002209) and it has been reported in the ClinVar by other submitters (Variation ID: 549131). Functional studies show a change in protein microfibril formation (PMID: 8884270, 21784848). Additionally, computational results of PolyPhen2, Provean, SIFT show a deleterious/damaging effect.

Center for Medical Genetics Ghent, University of Ghent
Classification: Pathogenic for Marfan syndrome. Last evaluated: 2017-11-07. Review status: no assertion criteria provided. Collection method: clinical testing. Allele origin: de novo. Affected: yes. Not counted in ClinVar's aggregate classification.

Literature cited by the submitters: PubMed 8884270 (cited by Labcorp Genetics (formerly Invitae), Labcorp and Mayo Clinic Laboratories, Mayo Clinic); PubMed 21135753 (cited by Labcorp Genetics (formerly Invitae), Labcorp); PubMed 27625872 (cited by 3 submitters); PubMed 21784848 (cited by 3 submitters); PubMed 28168077 (cited by Illumina Laboratory Services, Illumina and Mayo Clinic Laboratories, Mayo Clinic); PubMed 31238364 (cited by Illumina Laboratory Services, Illumina and Mayo Clinic Laboratories, Mayo Clinic); PubMed 10090557 (cited by Mayo Clinic Laboratories, Mayo Clinic); PubMed 12413333 (cited by Mayo Clinic Laboratories, Mayo Clinic); PubMed 17657824 (cited by Mayo Clinic Laboratories, Mayo Clinic); PubMed 12511552 (cited by Mayo Clinic Laboratories, Mayo Clinic).